The following is an entry in ClinVar:

Conditions:
Arteriohepatic dysplasia. Also called: Alagille Syndrome. Identifiers: Orphanet 52, MedGen C0085280, MeSH D016738, MONDO:0007318.

Submission:

Gilbert/Spinner Lab, Children's Hospital of Philadelphia
No classification provided (evidence only). Condition: Alagille syndrome. Review status: no classification provided. Collection method: research. Allele origin: not applicable. Functional consequence: functionally_abnormal.
ClinVar note: "not provided" was previously submitted as the classification for the variant. However, the classification appeared to be based only on an observation of functional data so it was converted to no classification on 2025-07-30.

NM_000214.3(JAG1):c.499T>A (p.Trp167Arg)

Gene: JAG1 (jagged canonical Notch ligand 1; minus strand). Cytogenetic location: 20p12.2.
Variant type: single nucleotide variant.
Coding change: c.499T>A on transcript NM_000214.3 (MANE Select); coding-DNA position 499, T replaced by A.
Protein change: p.Trp167Arg; replaces tryptophan 167 with arginine.
Molecular consequence: missense variant.
Genome position (GRCh38, 1-based): chr20:10,658,663, A>T on the plus strand (T>A on the coding strand, the complement: JAG1 is on the minus strand). VCF-style: chr20-10658663-A-T. GRCh37 (hg19) VCF-style: chr20-10639311-A-T.
Other names: short protein forms W167R.
Identifiers: ClinVar variation 3573047 (VCV003573047.2).